The following is an entry in ClinVar:

NM_006701.5(TXNL4A):c.153+3A>G

Gene: TXNL4A (thioredoxin like 4A; minus strand). Cytogenetic location: 18q23.
Variant type: single nucleotide variant.
Coding change: c.153+3A>G on transcript NM_006701.5 (MANE Select); 3 bases into the intron after coding-DNA position 153, A replaced by G.
Molecular consequence: intron variant.
Genome position (GRCh38, 1-based): chr18:79,988,237, T>C on the plus strand (A>G on the coding strand, the complement: TXNL4A is on the minus strand). VCF-style: chr18-79988237-T-C. GRCh37 (hg19) VCF-style: chr18-77748237-T-C.
Other names: c.-60-10536A>G (NM_001305564.2, NM_001305563.2); c.129+27A>G (NM_001305557.2); c.-114+3A>G (NM_001303471.3).
Identifiers: ClinVar variation 253187 (VCV000253187.2), dbSNP rs879255559, ClinGen allele CA10586231.

ClinVar aggregate classification (germline): not provided (0 of 4 stars; one submission).

Conditions:
Choanal atresia-hearing loss-cardiac defects-craniofacial dysmorphism syndrome (BMKS). Also called: OCULOOTOFACIAL DYSPLASIA; Branchio oculo facial syndrome Hing type; Burn-McKeown Syndrome (BMKS); Burn-McKeown syndrome. Identifiers: Orphanet 1200, MedGen C1837822, MONDO:0012064, OMIM 608572.

Submission:

GeneReviews
No classification provided. Condition: Choanal atresia-hearing loss-cardiac defects-craniofacial dysmorphism syndrome. Review status: no classification provided. Collection method: literature only. Allele origin: germline. Affected: yes.
Comment: Potential splice mutation, putatively truncating

Literature cited by the submitters: NCBI Bookshelf NBK373577.